The following is an entry in ClinVar:

ClinVar aggregate classification (germline): Uncertain significance (1 of 4 stars; one submission).

Submission:

Ambry Genetics
Classification: Uncertain significance. Last evaluated: 2025-07-14. Review status: criteria provided, single submitter. Criteria: Ambry Variant Classification Scheme 2023. Collection method: clinical testing. Allele origin: germline.
Comment: The c.1919C>T (p.T640I) alteration is located in exon (coding exon ) of the SH3RF3 gene. This alteration results from a C to T substitution at nucleotide position 1919, causing the threonine (T) at amino acid position 640 to be replaced by an isoleucine (I). Based on insufficient or conflicting evidence, the clinical significance of this alteration remains unclear.

NM_001099289.3(SH3RF3):c.1919C>T (p.Thr640Ile)

Genes: RANBP2 (RAN binding protein 2; plus strand), SH3RF3 (SH3 domain containing ring finger 3; plus strand). Cytogenetic location: 2q13.
Variant type: single nucleotide variant.
Coding change: c.1919C>T on transcript NM_001099289.3 (MANE Select); coding-DNA position 1919, C replaced by T.
Protein change: p.Thr640Ile; replaces threonine 640 with isoleucine.
Molecular consequence: missense variant.
Genome position (GRCh38, 1-based): chr2:109,449,260, C>T. VCF-style: chr2-109449260-C-T. GRCh37 (hg19) VCF-style: chr2-110065716-C-T.
Other names: short protein forms T640I.
Identifiers: ClinVar variation 4164365 (VCV004164365.1).